The following is an entry in ClinVar:

ClinVar aggregate classification (germline): Uncertain significance. Review status: criteria provided, multiple submitters, no conflicts (2 of 4 stars). 2 submissions from 2 submitters: Uncertain significance (2). Last evaluated 2026-01-28.

gnomAD v4.1: 17 of 1,613,614 alleles (0.0011%); highest among the groups gnomAD compares: South Asian, 0.018%; no homozygotes.

Submissions (2):

Labcorp Genetics (formerly Invitae), Labcorp
Classification: Uncertain significance. Last evaluated: 2026-01-28. Review status: criteria provided, single submitter. Criteria: Invitae Variant Classification Sherloc (09022015). Collection method: clinical testing. Allele origin: germline.
Comment: This sequence change replaces alanine, which is neutral and non-polar, with serine, which is neutral and polar, at codon 119 of the MICAL1 protein (p.Ala119Ser). This variant is present in population databases (rs766624792, gnomAD 0.02%). This variant has not been reported in the literature in individuals affected with MICAL1-related conditions. ClinVar contains an entry for this variant (Variation ID: 4054701). An algorithm developed to predict the effect of missense changes on protein structure and function (PolyPhen-2) suggests that this variant is likely to be disruptive. In summary, the available evidence is currently insufficient to determine the role of this variant in disease. Therefore, it has been classified as a Variant of Uncertain Significance.

Ambry Genetics
Classification: Uncertain significance. Last evaluated: 2025-05-23. Review status: criteria provided, single submitter. Criteria: Ambry Variant Classification Scheme 2023. Collection method: clinical testing. Allele origin: germline.

NM_022765.4(MICAL1):c.298G>T (p.Ala100Ser)

Gene: MICAL1 (microtubule associated monooxygenase, calponin and LIM domain containing 1; minus strand). Cytogenetic location: 6q21.
Variant type: single nucleotide variant.
Coding change: c.298G>T on transcript NM_022765.4 (MANE Select); coding-DNA position 298, G replaced by T.
Protein change: p.Ala100Ser; replaces alanine 100 with serine.
Molecular consequence: missense variant.
Genome position (GRCh38, 1-based): chr6:109,453,806, C>A on the plus strand (G>T on the coding strand, the complement: MICAL1 is on the minus strand). VCF-style: chr6-109453806-C-A. GRCh37 (hg19) VCF-style: chr6-109775009-C-A.
Other names: c.298G>T, p.Ala100Ser (NM_001159291.2); c.355G>T, p.Ala119Ser (NM_001286613.2); short protein forms A100S, A119S.
Identifiers: ClinVar variation 4054701 (VCV004054701.2).